The following is an entry in ClinVar:

NM_001561.6(TNFRSF9):c.100G>A (p.Gly34Ser)

Gene: TNFRSF9 (TNF receptor superfamily member 9; minus strand). Cytogenetic location: 1p36.23.
Variant type: single nucleotide variant.
Coding change: c.100G>A on transcript NM_001561.6 (MANE Select); coding-DNA position 100, G replaced by A.
Protein change: p.Gly34Ser; replaces glycine 34 with serine.
Molecular consequence: missense variant.
Genome position (GRCh38, 1-based): chr1:7,939,895, C>T on the plus strand (G>A on the coding strand, the complement: TNFRSF9 is on the minus strand). VCF-style: chr1-7939895-C-T. GRCh37 (hg19) VCF-style: chr1-7999955-C-T.
Other names: short protein forms G34S.
Identifiers: ClinVar variation 1017623 (VCV001017623.5), dbSNP rs201012166, ClinGen allele CA569356.
Genomic context (GRCh38, chr1:7,939,895, plus strand): 5'-ACTAACTGAACCATACTTCCAACAGAGCAGATCAAATGCACATGATAACTGGGTACTCAC[C>T]AGCTGGGCAGTTACTACAAGGATCCTGCAATGATCTTGTCCTCTCAAAGTTGAGGACCAG-3'
Protein context (NP_001552.2, residues 24-44): LQDPCSNCPA[Gly34Ser]TFCDNNRNQI

ClinVar aggregate classification (germline): Uncertain significance (1 of 4 stars; one submission).

Allele frequency attached by ClinVar (database versions not stated): TOPMed below 0.00001; ExAC 0.00001; gnomAD 0.00001.
gnomAD v4.1: 17 of 1,592,570 alleles (0.0011%); highest among the groups gnomAD compares: Admixed American, 0.0067%; no homozygotes.

Submission:

Labcorp Genetics (formerly Invitae), Labcorp
Classification: Uncertain significance. Last evaluated: 2023-08-30. Review status: criteria provided, single submitter. Criteria: Invitae Variant Classification Sherloc (09022015). Collection method: clinical testing. Allele origin: germline.
Comment: In summary, the available evidence is currently insufficient to determine the role of this variant in disease. Therefore, it has been classified as a Variant of Uncertain Significance. Algorithms developed to predict the effect of sequence changes on RNA splicing suggest that this variant may disrupt the consensus splice site. An algorithm developed to predict the effect of missense changes on protein structure and function (PolyPhen-2) suggests that this variant is likely to be disruptive. ClinVar contains an entry for this variant (Variation ID: 1017623). This variant has not been reported in the literature in individuals affected with TNFRSF9-related conditions. This variant is present in population databases (rs201012166, gnomAD 0.003%). This sequence change replaces glycine, which is neutral and non-polar, with serine, which is neutral and polar, at codon 34 of the TNFRSF9 protein (p.Gly34Ser).